The following is an entry in ClinVar:

NM_000136.3(FANCC):c.394G>A (p.Ala132Thr)

Gene: FANCC (FA complementation group C; minus strand). Cytogenetic location: 9q22.32.
Variant type: single nucleotide variant.
Coding change: c.394G>A on transcript NM_000136.3 (MANE Select); coding-DNA position 394, G replaced by A.
Protein change: p.Ala132Thr; replaces alanine 132 with threonine.
Molecular consequence: missense variant.
Genome position (GRCh38, 1-based): chr9:95,172,099, C>T on the plus strand (G>A on the coding strand, the complement: FANCC is on the minus strand). VCF-style: chr9-95172099-C-T. GRCh37 (hg19) VCF-style: chr9-97934381-C-T.
Other names: c.394G>A, p.Ala132Thr (NM_001243743.2, NM_001243744.2); short protein forms A132T.
Identifiers: ClinVar variation 1736418 (VCV001736418.2), dbSNP rs2541950496, ClinGen allele CA374338821.

ClinVar aggregate classification (germline): Uncertain significance (1 of 4 stars; one submission).

Conditions:
Hereditary cancer-predisposing syndrome. Also called: Neoplastic Syndromes, Hereditary; Tumor predisposition; Hereditary Cancer Syndrome; Hereditary neoplastic syndrome. Identifiers: Orphanet 140162, MedGen C0027672, MeSH D009386, MONDO:0015356.

Submission:

Ambry Genetics
Classification: Uncertain significance for Hereditary cancer-predisposing syndrome. Last evaluated: 2021-09-20. Review status: criteria provided, single submitter. Criteria: Ambry Variant Classification Scheme 2023. Collection method: clinical testing. Allele origin: germline.
Comment: The p.A132T variant (also known as c.394G>A), located in coding exon 4 of the FANCC gene, results from a G to A substitution at nucleotide position 394. The alanine at codon 132 is replaced by threonine, an amino acid with similar properties. This amino acid position is conserved. In addition, this alteration is predicted to be tolerated by in silico analysis. Since supporting evidence is limited at this time, the clinical significance of this alteration remains unclear.